The following is an entry in ClinVar:

ClinVar aggregate classification (germline): Pathogenic. Review status: criteria provided, multiple submitters, no conflicts (2 of 4 stars). 2 submissions from 2 submitters: Pathogenic (2). Last evaluated 2024-02-09.

Conditions:
Heterotopia, periventricular, X-linked dominant (PVNH1). Also called: PERIVENTRICULAR NODULAR HETEROTOPIA 4; HETEROTOPIA, PERIVENTRICULAR, 1; PERIVENTRICULAR NODULAR HETEROTOPIA 1; X-linked periventricular heterotopia. Identifiers: Orphanet 2149, Orphanet 82004, MedGen C1848213, MONDO:0010233, OMIM 300049.
Melnick-Needles syndrome (MNS). Also called: Melnick-Needles Syndrome (FLNA-MNS); MELNICK-NEEDLES OSTEODYSPLASTY; OSTEODYSPLASTY OF MELNICK AND NEEDLES. Identifiers: Orphanet 2484, MedGen C0025237, MONDO:0010650, OMIM 309350.
Frontometaphyseal dysplasia (FMD1). Identifiers: Orphanet 1826, MedGen C0265293, MONDO:0015942.
Oto-palato-digital syndrome, type II (OPD2). Also called: Otopalatodigital Syndrome Type 2 (FLNA-OPD2); Otopalatodigital Syndrome, Type II; FACIOPALATOOSSEOUS SYNDROME; OPD II SYNDROME. Identifiers: Orphanet 669, Orphanet 90652, MedGen C1844696, MONDO:0010571, OMIM 304120.

Submissions (2):

Labcorp Genetics (formerly Invitae), Labcorp
Classification: Pathogenic for Oto-palato-digital syndrome, type II; Heterotopia, periventricular, X-linked dominant; Frontometaphyseal dysplasia; Melnick-Needles syndrome. Last evaluated: 2024-02-09. Review status: criteria provided, single submitter. Criteria: Invitae Variant Classification Sherloc (09022015). Collection method: clinical testing. Allele origin: germline.
Comment: This sequence change creates a premature translational stop signal (p.Arg226*) in the FLNA gene. It is expected to result in an absent or disrupted protein product. Loss-of-function variants in FLNA are known to be pathogenic (PMID: 16684786, 20730588, 26471271). This variant is not present in population databases (gnomAD no frequency). This premature translational stop signal has been observed in individuals with periventricular heterotopia (PMID: 16684786). ClinVar contains an entry for this variant (Variation ID: 580826). For these reasons, this variant has been classified as Pathogenic.

GeneDx
Classification: Pathogenic. Last evaluated: 2023-08-23. Review status: criteria provided, single submitter. Criteria: GeneDx Variant Classification Process June 2021. Collection method: clinical testing. Allele origin: germline. Affected: yes.
Comment: Nonsense variant predicted to result in protein truncation or nonsense mediated decay in a gene for which loss of function is a known mechanism of disease; Not observed at significant frequency in large population cohorts (gnomAD); This variant is associated with the following publications: (PMID: 25525159, 32653277, 16684786)

Literature cited by the submitters: PubMed 16684786 (cited by Labcorp Genetics (formerly Invitae), Labcorp); PubMed 20730588 (cited by Labcorp Genetics (formerly Invitae), Labcorp); PubMed 26471271 (cited by Labcorp Genetics (formerly Invitae), Labcorp).

NM_001110556.2(FLNA):c.676C>T (p.Arg226Ter)

Gene: FLNA (filamin A; minus strand). Cytogenetic location: Xq28.
Variant type: single nucleotide variant.
Coding change: c.676C>T on transcript NM_001110556.2 (MANE Select); coding-DNA position 676, C replaced by T.
Protein change: p.Arg226Ter; replaces arginine 226 with a stop codon.
Molecular consequence: nonsense.
Genome position (GRCh38, 1-based): chrX:154,367,685, G>A on the plus strand (C>T on the coding strand, the complement: FLNA is on the minus strand). VCF-style: chrX-154367685-G-A. GRCh37 (hg19) VCF-style: chrX-153596053-G-A.
Other names: c.676C>T, p.Arg226Ter (NM_001456.4); short protein forms R226*.
Identifiers: ClinVar variation 580826 (VCV000580826.12), dbSNP rs1569551861, ClinGen allele CA415248831.